The following is an entry in ClinVar:

NM_006393.3(NEBL):c.55G>A (p.Gly19Arg)

Gene: NEBL (nebulette; minus strand). Cytogenetic location: 10p12.31.
Variant type: single nucleotide variant.
Coding change: c.55G>A on transcript NM_006393.3 (MANE Select); coding-DNA position 55, G replaced by A.
Protein change: p.Gly19Arg; replaces glycine 19 with arginine.
Molecular consequence: missense variant. On other transcripts: intron variant (9).
Genome position (GRCh38, 1-based): chr10:20,897,151, C>T on the plus strand (G>A on the coding strand, the complement: NEBL is on the minus strand). VCF-style: chr10-20897151-C-T. GRCh37 (hg19) VCF-style: chr10-21186080-C-T.
Other names: c.249+64521G>A (NM_001377326.1, NM_001377327.1, NM_001377328.1); c.357+64521G>A (NM_213569.2, NM_001173484.2, NM_001377322.1); c.300+64521G>A (NM_001377324.1); c.291+64521G>A (NM_001377325.1); c.309+64521G>A (NM_001377323.1); short protein forms G19R.
Identifiers: ClinVar variation 3404020 (VCV003404020.1).

ClinVar aggregate classification (germline): Uncertain significance (1 of 4 stars; one submission).

Submission:

Ambry Genetics
Classification: Uncertain significance. Last evaluated: 2024-11-17. Review status: criteria provided, single submitter. Criteria: Ambry Variant Classification Scheme 2023. Collection method: clinical testing. Allele origin: germline.
Comment: The p.G19R variant (also known as c.55G>A), located in coding exon 1 of the NEBL gene, results from a G to A substitution at nucleotide position 55. The glycine at codon 19 is replaced by arginine, an amino acid with dissimilar properties. This amino acid position is conserved. In addition, this alteration is predicted to be tolerated by in silico analysis. Based on the available evidence, the clinical significance of this variant remains unclear.